The following is an entry in ClinVar:

NM_013339.4(ALG6):c.1451T>A (p.Phe484Tyr)

Gene: ALG6 (ALG6 alpha-1,3-glucosyltransferase; plus strand). Cytogenetic location: 1p31.3.
Variant type: single nucleotide variant.
Coding change: c.1451T>A on transcript NM_013339.4 (MANE Select); coding-DNA position 1451, T replaced by A.
Protein change: p.Phe484Tyr; replaces phenylalanine 484 with tyrosine.
Molecular consequence: missense variant.
Genome position (GRCh38, 1-based): chr1:63,436,947, T>A. VCF-style: chr1-63436947-T-A. GRCh37 (hg19) VCF-style: chr1-63902618-T-A.
Other names: short protein forms F484Y.
Identifiers: ClinVar variation 1345857 (VCV001345857.3), dbSNP rs749363896, ClinGen allele CA888454.

ClinVar aggregate classification (germline): Uncertain significance (1 of 4 stars; one submission).

Conditions:
ALG6-congenital disorder of glycosylation 1C (CDG1C). Also called: CARBOHYDRATE-DEFICIENT GLYCOPROTEIN SYNDROME, TYPE I, WITH DEFICIENT GLYCOSYLATION OF DOLICHOL-LINKED OLIGOSACCHARIDE; CARBOHYDRATE-DEFICIENT GLYCOPROTEIN SYNDROME, TYPE V; Congenital disorder of glycosylation, type Ic; Congenital disorder of glycosylation type 1C; CDG Ic. Identifiers: Orphanet 79320, MedGen C2930997, MONDO:0011291, OMIM 603147.

Allele frequency attached by ClinVar (database versions not stated): gnomAD exomes below 0.00001; TOPMed below 0.00001; ExAC 0.00001; gnomAD 0.00001.
gnomAD v4.1: 3 of 1,613,724 alleles (0.00019%); highest among the groups gnomAD compares: Non-Finnish European, 0.00017%; no homozygotes.

Submission:

Labcorp Genetics (formerly Invitae), Labcorp
Classification: Uncertain significance for ALG6-congenital disorder of glycosylation 1C. Last evaluated: 2022-07-06. Review status: criteria provided, single submitter. Criteria: Invitae Variant Classification Sherloc (09022015). Collection method: clinical testing. Allele origin: germline.
Comment: This sequence change replaces phenylalanine, which is neutral and non-polar, with tyrosine, which is neutral and polar, at codon 484 of the ALG6 protein (p.Phe484Tyr). This variant is present in population databases (rs749363896, gnomAD 0.0009%). This variant has not been reported in the literature in individuals affected with ALG6-related conditions. ClinVar contains an entry for this variant (Variation ID: 1345857). Algorithms developed to predict the effect of missense changes on protein structure and function are either unavailable or do not agree on the potential impact of this missense change (SIFT: "Tolerated"; PolyPhen-2: "Possibly Damaging"; Align-GVGD: "Class C0"). In summary, the available evidence is currently insufficient to determine the role of this variant in disease. Therefore, it has been classified as a Variant of Uncertain Significance.